The following is an entry in ClinVar:

ClinVar aggregate classification (germline): Conflicting classifications of pathogenicity. Review status: criteria provided, conflicting classifications (1 of 4 stars). 4 submissions from 4 submitters: Uncertain significance (2); Likely benign (2). Last evaluated 2026-04-14.

Conditions:
Low phospholipid associated cholelithiasis (GBD1). Also called: Gallbladder disease 1; Gallstone cholecystitis. Identifiers: Orphanet 69663, MedGen C2609268, MONDO:0010939, OMIM 600803.
Familial intrahepatic cholestasis. Identifiers: Orphanet 284385, MedGen CN296401, MONDO:0017290.

Allele frequency attached by ClinVar (database versions not stated): ExAC 0.00002; gnomAD 0.00003; TOPMed 0.00004.
gnomAD v4.1: 23 of 1,613,906 alleles (0.0014%); highest among the groups gnomAD compares: East Asian, 0.0067%; no homozygotes.

Submissions (4):

Genomenon, Inc
Classification: Uncertain significance for Familial intrahepatic cholestasis; Low phospholipid associated cholelithiasis. Last evaluated: 2026-04-14. Review status: criteria provided, single submitter. Criteria: Genomenon Sequence Variant Interpretation Standards - Updated. Collection method: curation. Allele origin: germline. Affected: no.
Comment: ABCB4 c.3471C>T is a synonymous variant that retains Isoleucine at residue 1157. This variant has been reported in the published literature (PMID:30079523). It is absent or not present at a significant frequency in gnomAD. In silico models predict that this variant is possibly or probably damaging. In conclusion, we classify ABCB4 p.Ile1157= (c.3471C>T) as a variant of uncertain significance.

Blueprint Genetics
Classification: Likely benign. Last evaluated: 2024-09-03. Review status: criteria provided, single submitter. Criteria: ACMG Guidelines, 2015. Collection method: clinical testing. Allele origin: germline.

Eurofins Ntd Llc (ga)
Classification: Uncertain significance. Last evaluated: 2018-04-09. Review status: criteria provided, single submitter. Criteria: EGL ClinVar v180209 classification definitions. Collection method: clinical testing. Allele origin: germline. Observed: 1 variant allele, 1 heterozygote.

GeneDx
Classification: Likely benign. Last evaluated: 2017-07-14. Review status: criteria provided, single submitter. Criteria: GeneDx Variant Classification (06012015). Collection method: clinical testing. Allele origin: germline. Affected: yes.
Comment: This variant is considered likely benign or benign based on one or more of the following criteria: it is a conservative change, it occurs at a poorly conserved position in the protein, it is predicted to be benign by multiple in silico algorithms, and/or has population frequency not consistent with disease.

Literature cited by the submitters: PubMed 30079523 (cited by Genomenon, Inc).

NM_000443.4(ABCB4):c.3471C>T (p.Ile1157=)

Gene: ABCB4 (ATP binding cassette subfamily B member 4; minus strand). Cytogenetic location: 7q21.12.
Variant type: single nucleotide variant.
Coding change: c.3471C>T on transcript NM_000443.4 (MANE Select); coding-DNA position 3471, C replaced by T.
Protein change: p.Ile1157=; no amino-acid change (isoleucine 1157 retained).
Molecular consequence: synonymous variant.
Genome position (GRCh38, 1-based): chr7:87,406,303, G>A on the plus strand (C>T on the coding strand, the complement: ABCB4 is on the minus strand). VCF-style: chr7-87406303-G-A. GRCh37 (hg19) VCF-style: chr7-87035619-G-A.
Other names: c.3492C>T, p.Ile1164= (NM_018849.3); c.3330C>T, p.Ile1110= (NM_018850.3).
Identifiers: ClinVar variation 510667 (VCV000510667.7), dbSNP rs752578370, ClinGen allele CA4326765.